The following is an entry in ClinVar:

ClinVar aggregate classification (germline): Uncertain significance (1 of 4 stars; one submission).

Conditions:
Hypertrophic cardiomyopathy. Also called: HYPERTROPHIC MYOCARDIOPATHY. Identifiers: Orphanet 217569, MedGen C0007194, MeSH D002312, MONDO:0005045, HP:0001639.

Submission:

Labcorp Genetics (formerly Invitae), Labcorp
Classification: Uncertain significance for Hypertrophic cardiomyopathy. Last evaluated: 2018-06-05. Review status: criteria provided, single submitter. Criteria: Invitae Variant Classification Sherloc (09022015). Collection method: clinical testing. Allele origin: germline.
Comment: This variant results in a copy number gain of the genomic region encompassing exon 1 of the MYL3 gene. The 5' end of this event is unknown as it extends beyond the assayed region for this gene and therefore may encompass additional genes. The 3' boundary is likely confined to intron 1 of the MYL3 gene. As the precise location of this event is unknown, it may be in tandem or it may be located elsewhere in the genome. This variant has not been reported in the literature in individuals with MYL3-related disease. The current clinical and genetic evidence is not sufficient to establish whether loss-of-function variants in MYL3 cause disease. In summary, the available evidence is currently insufficient to determine the role of this variant in disease. Therefore, it has been classified as a Variant of Uncertain Significance.

NC_000003.11:g.(?_46904732)_(46904900_?)dup

Gene: MYL3 (myosin light chain 3; minus strand). Cytogenetic location: 3p21.31.
Variant type: Duplication.
Identifiers: ClinVar variation 584123 (VCV000584123.1).